The following is an entry in ClinVar:

ClinVar aggregate classification (germline): Likely pathogenic (1 of 4 stars; one submission).

Submission:

Labcorp Genetics (formerly Invitae), Labcorp
Classification: Likely pathogenic. Last evaluated: 2024-02-14. Review status: criteria provided, single submitter. Criteria: Invitae Variant Classification Sherloc (09022015). Collection method: clinical testing. Allele origin: germline.
Comment: This sequence change affects a donor splice site in intron 8 of the PRDM5 gene. It is expected to disrupt RNA splicing. Variants that disrupt the donor or acceptor splice site typically lead to a loss of protein function (PMID: 16199547), and loss-of-function variants in PRDM5 are known to be pathogenic (PMID: 21664999, 26395458). This variant is not present in population databases (gnomAD no frequency). This variant has not been reported in the literature in individuals affected with PRDM5-related conditions. Algorithms developed to predict the effect of sequence changes on RNA splicing suggest that this variant may disrupt the consensus splice site. In summary, the currently available evidence indicates that the variant is pathogenic, but additional data are needed to prove that conclusively. Therefore, this variant has been classified as Likely Pathogenic.

Literature cited by the submitters: PubMed 16199547; PubMed 21664999; PubMed 26395458.

NM_018699.4(PRDM5):c.945+1G>T

Gene: PRDM5 (PR/SET domain 5; minus strand). Cytogenetic location: 4q27.
Variant type: single nucleotide variant.
Coding change: c.945+1G>T on transcript NM_018699.4 (MANE Select); the canonical splice donor site of the intron after coding-DNA position 945, G replaced by T.
Molecular consequence: splice donor variant.
Genome position (GRCh38, 1-based): chr4:120,811,369, C>A on the plus strand (G>T on the coding strand, the complement: PRDM5 is on the minus strand). VCF-style: chr4-120811369-C-A. GRCh37 (hg19) VCF-style: chr4-121732524-C-A.
Other names: c.852+1G>T (NM_001300824.2, NM_001379106.1, NM_001300823.2); c.945+1G>T (NM_001379104.1).
Identifiers: ClinVar variation 3668708 (VCV003668708.2).
Genomic context (GRCh38, chr4:120,811,369, plus strand): 5'-AAAACATATTAAAATTATTAAAGATAGATATTAAACTGTGATGAATTTTTATCTTACTGA[C>A]CTTTCTATGTTCCTGTAGGCTTGATGCTGAAGAACACTTTTTATTGCACACTGAACATAT-3'